The following is an entry in ClinVar:

NM_000268.4(NF2):c.1534A>T (p.Thr512Ser)

Gene: NF2 (NF2, moesin-ezrin-radixin like (MERLIN) tumor suppressor; plus strand). Cytogenetic location: 22q12.2.
Variant type: single nucleotide variant.
Coding change: c.1534A>T on transcript NM_000268.4 (MANE Select); coding-DNA position 1534, A replaced by T.
Protein change: p.Thr512Ser; replaces threonine 512 with serine.
Molecular consequence: missense variant. On other transcripts: non-coding transcript variant (1), intron variant (1).
Genome position (GRCh38, 1-based): chr22:29,678,283, A>T. VCF-style: chr22-29678283-A-T. GRCh37 (hg19) VCF-style: chr22-30074272-A-T.
Other names: c.1420A>T, p.Thr474Ser (NM_001407053.1, NM_001407056.1); c.1411A>T, p.Thr471Ser (NM_001407054.1, NM_001407058.1, NM_181829.3); c.1408A>T, p.Thr470Ser (NM_001407055.1, NM_181828.3); c.1399A>T, p.Thr467Ser (NM_001407057.1, NM_001407059.1); c.1534A>T, p.Thr512Ser (NM_001407060.1, NM_001407066.1, NM_016418.5 and 2 more transcripts); c.1276A>T, p.Thr426Ser (NM_001407062.1); c.1285A>T, p.Thr429Ser (NM_001407063.1, NM_001407064.1, NM_181830.3 and 1 more transcripts); c.1000A>T, p.Thr334Ser (NM_001407065.1); and 2 more; short protein forms T334S, T426S, T429S, T467S, T471S, T474S, T470S, T435S.
Identifiers: ClinVar variation 3404982 (VCV003404982.1).

ClinVar aggregate classification (germline): Uncertain significance (1 of 4 stars; one submission).

Conditions:
Hereditary cancer-predisposing syndrome. Also called: Hereditary Cancer Syndrome; Tumor predisposition; Hereditary neoplastic syndrome; Neoplastic Syndromes, Hereditary. Identifiers: Orphanet 140162, MedGen C0027672, MeSH D009386, MONDO:0015356.

Submission:

Ambry Genetics
Classification: Uncertain significance for Hereditary cancer-predisposing syndrome. Last evaluated: 2024-07-10. Review status: criteria provided, single submitter. Criteria: Ambry Variant Classification Scheme 2023. Collection method: clinical testing. Allele origin: germline.
Comment: The p.T512S variant (also known as c.1534A>T), located in coding exon 14 of the NF2 gene, results from an A to T substitution at nucleotide position 1534. The threonine at codon 512 is replaced by serine, an amino acid with similar properties. This amino acid position is conserved. In addition, this alteration is predicted to be tolerated by in silico analysis. Based on the available evidence, the clinical significance of this variant remains unclear.